The following is an entry in ClinVar:

NM_014946.4(SPAST):c.710A>T (p.Asp237Val)

Gene: SPAST (spastin; plus strand). Cytogenetic location: 2p22.3.
Variant type: single nucleotide variant.
Coding change: c.710A>T on transcript NM_014946.4 (MANE Select); coding-DNA position 710, A replaced by T.
Protein change: p.Asp237Val; replaces aspartic acid 237 with valine.
Molecular consequence: missense variant.
Genome position (GRCh38, 1-based): chr2:32,114,665, A>T. VCF-style: chr2-32114665-A-T. GRCh37 (hg19) VCF-style: chr2-32339734-A-T.
Other names: c.707A>T, p.Asp236Val (NM_001363823.2); c.611A>T, p.Asp204Val (NM_001363875.2); c.614A>T, p.Asp205Val (NM_001377959.1, NM_199436.2); short protein forms D204V, D205V, D236V, D237V.
Identifiers: ClinVar variation 4533785 (VCV004533785.6).

ClinVar aggregate classification (germline): Uncertain significance (1 of 4 stars; one submission).

gnomAD v4.1: 3 of 1,614,160 alleles (0.00019%); highest among the groups gnomAD compares: Non-Finnish European, 0.00017%; no homozygotes.

Submission:

CeGaT Center for Human Genetics Tuebingen
Classification: Uncertain significance. Last evaluated: 2025-11-01. Review status: criteria provided, single submitter. Criteria: CeGaT Center For Human Genetics Tuebingen Variant Classification Criteria Version 2. Collection method: clinical testing. Allele origin: germline. Affected: yes. Observed: 1 variant allele.
Comment: SPAST: PM2, BP4